The following is an entry in ClinVar:

ClinVar aggregate classification (germline): Conflicting classifications of pathogenicity. Review status: criteria provided, conflicting classifications (1 of 4 stars). 12 submissions from 12 submitters: Uncertain significance (7); Likely benign (2). 3 of the submissions do not count toward it. Last evaluated 2026-01-25.

Conditions:
NEB-related disorder. Also called: NEB-Related Disorders; NEB-related condition.
Distal myopathy. Identifiers: Orphanet 599, MedGen C0751336, MONDO:0018949.
Inborn genetic diseases. Identifiers: MedGen C0950123, MeSH D030342.
Nemaline myopathy 2 (NEM2). Also called: Nemaline myopathy 2, autosomal recessive. Identifiers: MedGen C1850569, MONDO:0009725, OMIM 256030.

Allele frequency attached by ClinVar (database versions not stated): TOPMed 0.00028; gnomAD exomes 0.00030; 1000 Genomes Project 30x 0.00031; gnomAD 0.00034 and 0.00035; ExAC 0.00036; 1000 Genomes Project 0.00040; ESP Exome Variant Server 0.00064.
gnomAD v4.1: 929 of 1,613,978 alleles (0.058%); highest among the groups gnomAD compares: Non-Finnish European, 0.075%; 1 homozygote.

Submissions (12):

Labcorp Genetics (formerly Invitae), Labcorp
Classification: Likely benign for Nemaline myopathy 2. Last evaluated: 2026-01-25. Review status: criteria provided, single submitter. Criteria: Invitae Variant Classification Sherloc (09022015). Collection method: clinical testing. Allele origin: germline.

PreventionGenetics, part of Exact Sciences
Classification: Likely benign for NEB-related condition. Last evaluated: 2025-11-07. Review status: criteria provided, single submitter. Criteria: ACMG Guidelines, 2015. Collection method: clinical testing. Allele origin: germline.
Comment: This variant is classified as likely benign based on ACMG/AMP sequence variant interpretation guidelines (Richards et al. 2015 PMID: 25741868, with internal and published modifications).

Ambry Genetics
Classification: Uncertain significance for Inborn genetic diseases. Last evaluated: 2025-08-30. Review status: criteria provided, single submitter. Criteria: Ambry Variant Classification Scheme 2023. Collection method: clinical testing. Allele origin: germline.

Revvity Omics, Revvity
Classification: Uncertain significance. Last evaluated: 2024-05-14. Review status: criteria provided, single submitter. Criteria: ACMG Guidelines, 2015. Collection method: clinical testing. Allele origin: germline.

GeneDx
Classification: Uncertain significance. Last evaluated: 2024-04-24. Review status: criteria provided, single submitter. Criteria: GeneDx Variant Classification Process June 2021. Collection method: clinical testing. Allele origin: germline. Affected: yes.
Comment: In silico analysis indicates that this missense variant does not alter protein structure/function; Has not been previously published as pathogenic or benign to our knowledge

Mayo Clinic Laboratories, Mayo Clinic
Classification: Uncertain significance. Last evaluated: 2022-04-15. Review status: criteria provided, single submitter. Criteria: ACMG Guidelines, 2015. Collection method: clinical testing. Allele origin: germline. Observed: 1 variant allele.
Comment: PM2

Baylor Genetics
Classification: Uncertain significance for Nemaline myopathy 2. Last evaluated: 2020-10-02. Review status: criteria provided, single submitter. Criteria: ACMG Guidelines, 2015. Collection method: clinical testing. Allele origin: unknown. Affected: yes.
Comment: This variant was determined to be of uncertain significance according to ACMG Guidelines, 2015 [PMID:25741868].

Cambridge Genomics Laboratory, East Genomic Laboratory Hub, NHS Genomic Medicine Service
Classification: Uncertain significance for Distal myopathy. Last evaluated: 2019-05-02. Review status: criteria provided, single submitter. Criteria: ACGS Best Practice Guidelines for Variant Classification in Rare Disease 2020. Collection method: clinical testing. Allele origin: germline. Affected: yes. Observed: 1 variant allele.

Illumina Laboratory Services, Illumina
Classification: Uncertain significance for Nemaline myopathy 2. Last evaluated: 2018-01-13. Review status: criteria provided, single submitter. Criteria: ICSL Variant Classification Criteria 13 December 2019. Collection method: clinical testing. Allele origin: germline.

Natera, Inc.
Classification: Uncertain significance for Nemaline myopathy type 2. Last evaluated: 2019-11-11. Review status: no assertion criteria provided. Collection method: clinical testing. Allele origin: germline. Not counted in ClinVar's aggregate classification.

Genome Diagnostics Laboratory, Amsterdam University Medical Center
Classification: Uncertain significance. Review status: no assertion criteria provided. Collection method: clinical testing. Allele origin: germline. Affected: yes. Study: VKGL Data-share Consensus. Not counted in ClinVar's aggregate classification.

Laboratory of Diagnostic Genome Analysis, Leiden University Medical Center (LUMC)
Classification: Uncertain significance. Review status: no assertion criteria provided. Collection method: clinical testing. Allele origin: germline. Affected: yes. Study: VKGL Data-share Consensus. Not counted in ClinVar's aggregate classification.

NM_001164508.2(NEB):c.22370G>C (p.Ser7457Thr)

Genes: NEB (nebulin; minus strand), RIF1 (replication timing regulatory factor 1; plus strand). Cytogenetic location: 2q23.3.
Variant type: single nucleotide variant.
Coding change: c.22370G>C on transcript NM_001164508.2 (MANE Select); coding-DNA position 22370, G replaced by C.
Protein change: p.Ser7457Thr; replaces serine 7457 with threonine.
Molecular consequence: missense variant.
Genome position (GRCh38, 1-based): chr2:151,524,519, C>G on the plus strand (G>C on the coding strand, the complement: NEB is on the minus strand). VCF-style: chr2-151524519-C-G. GRCh37 (hg19) VCF-style: chr2-152381033-C-G.
Other names: p.Ser5756Thr; c.22370G>C, p.Ser7457Thr (NM_001164507.2); c.22475G>C, p.Ser7492Thr (NM_001271208.2); c.17267G>C, p.Ser5756Thr (NM_004543.5); short protein forms S7492T, S7457T, S5756T.
Identifiers: ClinVar variation 418382 (VCV000418382.25), dbSNP rs142454476, ClinGen allele CA1906675.
Genomic context (GRCh38, chr2:151,524,519, plus strand): 5'-TGGCATGCCTTGGCAATGGCTGTTGGGGACTGGGGACATTTTCATGACACCCTTACCTCA[C>G]TGGCCTGTTTGGCTGCCTGTGTGGCCTTCTTGATGTCTGGTCGATCAGCCACTGTGGTGT-3'
Protein context (NP_001157980.2, residues 7447-7467): KKATQAAKQA[Ser7457Thr]EVEYRAKHRK